The following is an entry in ClinVar:

NM_000038.6(APC):c.7578T>C (p.His2526=)

Gene: APC (APC regulator of Wnt signaling pathway; plus strand). Cytogenetic location: 5q22.2.
Variant type: single nucleotide variant.
Coding change: c.7578T>C on transcript NM_000038.6 (MANE Select); coding-DNA position 7578, T replaced by C.
Protein change: p.His2526=; no amino-acid change (histidine 2526 retained).
Molecular consequence: synonymous variant.
Genome position (GRCh38, 1-based): chr5:112,843,172, T>C. VCF-style: chr5-112843172-T-C. GRCh37 (hg19) VCF-style: chr5-112178869-T-C.
Other names: c.7524T>C, p.His2508= (NM_001127511.3); c.7578T>C, p.His2526= (NM_001354895.2, NM_001127510.3); c.7632T>C, p.His2544= (NM_001354896.2); c.7608T>C, p.His2536= (NM_001354897.2); c.7503T>C, p.His2501= (NM_001354898.2); c.7494T>C, p.His2498= (NM_001354899.2); c.7455T>C, p.His2485= (NM_001354900.2); c.7401T>C, p.His2467= (NM_001354901.2); and 5 more.
Identifiers: ClinVar variation 184604 (VCV000184604.20), dbSNP rs786201565, ClinGen allele CA013872.

ClinVar aggregate classification (germline): Benign/Likely benign. Review status: criteria provided, multiple submitters, no conflicts (2 of 4 stars). 4 submissions from 4 submitters: Benign (1); Likely benign (3). Last evaluated 2024-05-13.

Conditions:
Hereditary cancer-predisposing syndrome. Also called: Hereditary neoplastic syndrome; Neoplastic Syndromes, Hereditary; Tumor predisposition; Hereditary Cancer Syndrome. Identifiers: Orphanet 140162, MedGen C0027672, MeSH D009386, MONDO:0015356.
Familial adenomatous polyposis 1 (FAP1). Also called: FAMILIAL ADENOMATOUS POLYPOSIS 1, ATTENUATED; POLYPOSIS, ADENOMATOUS INTESTINAL. Identifiers: MedGen C2713442, MONDO:0021056, OMIM 175100. Disease mechanism: loss of function.

Allele frequency attached by ClinVar (database versions not stated): gnomAD exomes 0.00001.
gnomAD v4.1: 10 of 1,613,240 alleles (0.00062%); highest among the groups gnomAD compares: Non-Finnish European, 0.00085%; no homozygotes.

Submissions (4):

Labcorp Genetics (formerly Invitae), Labcorp
Classification: Likely benign for Familial adenomatous polyposis 1. Last evaluated: 2024-05-13. Review status: criteria provided, single submitter. Criteria: Invitae Variant Classification Sherloc (09022015). Collection method: clinical testing. Allele origin: germline.

Myriad Genetics, Inc.
Classification: Benign for Familial adenomatous polyposis 1. Last evaluated: 2024-04-10. Review status: criteria provided, single submitter. Criteria: Myriad Autosomal Dominant, Autosomal Recessive and X-Linked Classification Criteria (2023). Collection method: clinical testing. Allele origin: unknown.
Comment: This variant is considered benign. This variant is a silent/synonymous amino acid change and it is not expected to impact splicing.

Ambry Genetics
Classification: Likely benign for Hereditary cancer-predisposing syndrome. Last evaluated: 2022-06-21. Review status: criteria provided, single submitter. Criteria: Ambry Variant Classification Scheme 2023. Collection method: clinical testing. Allele origin: germline.

Color Diagnostics, LLC DBA Color Health
Classification: Likely benign for Hereditary cancer-predisposing syndrome. Last evaluated: 2017-12-13. Review status: criteria provided, single submitter. Criteria: ACMG Guidelines, 2015. Collection method: clinical testing. Allele origin: germline.